The following is an entry in ClinVar:

ClinVar aggregate classification (germline): Uncertain significance (1 of 4 stars; one submission).

Conditions:
Idiopathic Pulmonary Fibrosis. Also called: Idiopathic fibrosing alveolitis, chronic form; idiopathic fibrosing alveolitis. Identifiers: Orphanet 2032, MedGen C1800706, MeSH D054990, MONDO:0800504.
Dyskeratosis congenita, autosomal dominant 2. Identifiers: MedGen C3151443, MONDO:0013521, OMIM 613989.

Submission:

Labcorp Genetics (formerly Invitae), Labcorp
Classification: Uncertain significance for Dyskeratosis congenita, autosomal dominant 2; Idiopathic Pulmonary Fibrosis. Last evaluated: 2021-10-27. Review status: criteria provided, single submitter. Criteria: Invitae Variant Classification Sherloc (09022015). Collection method: clinical testing. Allele origin: germline.
Comment: This sequence change replaces proline, a(n) neutral and non-polar amino acid, with serine, a(n) neutral and polar amino acid, at codon 614 of the TERT protein (p.Pro614Ser). In summary, the available evidence is currently insufficient to determine the role of this variant in disease. Therefore, it has been classified as a Variant of Uncertain Significance. Algorithms developed to predict the effect of sequence changes on RNA splicing suggest that this variant may create or strengthen a splice site. Advanced modeling of protein sequence and biophysical properties (such as structural, functional, and spatial information, amino acid conservation, physicochemical variation, residue mobility, and thermodynamic stability) performed at Invitae indicates that this missense variant is not expected to disrupt TERT protein function. This variant has not been reported in the literature in individuals affected with TERT-related conditions. This variant is not present in population databases (gnomAD no frequency).

NM_198253.3(TERT):c.1840C>T (p.Pro614Ser)

Gene: TERT (telomerase reverse transcriptase; minus strand). Cytogenetic location: 5p15.33.
Variant type: single nucleotide variant.
Coding change: c.1840C>T on transcript NM_198253.3 (MANE Select); coding-DNA position 1840, C replaced by T.
Protein change: p.Pro614Ser; replaces proline 614 with serine.
Molecular consequence: missense variant. On other transcripts: non-coding transcript variant (2).
Genome position (GRCh38, 1-based): chr5:1,280,268, G>A on the plus strand (C>T on the coding strand, the complement: TERT is on the minus strand). VCF-style: chr5-1280268-G-A. GRCh37 (hg19) VCF-style: chr5-1280383-G-A.
Other names: c.1840C>T, p.Pro614Ser (NM_001193376.3); short protein forms P614S.
Identifiers: ClinVar variation 1468469 (VCV001468469.6), dbSNP rs2126644525, ClinGen allele CA359081818.